The following is an entry in ClinVar:

NM_006073.4(TRDN):c.29C>A (p.Ala10Glu)

Gene: TRDN (triadin; minus strand). Cytogenetic location: 6q22.31.
Variant type: single nucleotide variant.
Coding change: c.29C>A on transcript NM_006073.4 (MANE Select); coding-DNA position 29, C replaced by A.
Protein change: p.Ala10Glu; replaces alanine 10 with glutamic acid.
Molecular consequence: missense variant.
Genome position (GRCh38, 1-based): chr6:123,571,126, G>T on the plus strand (C>A on the coding strand, the complement: TRDN is on the minus strand). VCF-style: chr6-123571126-G-T. GRCh37 (hg19) VCF-style: chr6-123892271-G-T.
Other names: c.29C>A, p.Ala10Glu (NM_001251987.2, NM_001256020.2, NM_001256021.2 and 2 more transcripts); short protein forms A10E.
Identifiers: ClinVar variation 1990617 (VCV001990617.4), dbSNP rs75703547, ClinGen allele CA147302804.

ClinVar aggregate classification (germline): Uncertain significance (1 of 4 stars; one submission).

Conditions:
Catecholaminergic polymorphic ventricular tachycardia 1. Also called: VENTRICULAR TACHYCARDIA, CATECHOLAMINERGIC POLYMORPHIC, 1, WITH OR WITHOUT ATRIAL DYSFUNCTION AND/OR DILATED CARDIOMYOPATHY; RYR2-Related Catecholaminergic Polymorphic Ventricular Tachycardia; VENTRICULAR TACHYCARDIA, STRESS-INDUCED POLYMORPHIC 1. Identifiers: Orphanet 3286, MedGen C1631597, MONDO:0011484, OMIM 604772.

Submission:

Labcorp Genetics (formerly Invitae), Labcorp
Classification: Uncertain significance for Catecholaminergic polymorphic ventricular tachycardia 1. Last evaluated: 2022-10-10. Review status: criteria provided, single submitter. Criteria: Invitae Variant Classification Sherloc (09022015). Collection method: clinical testing. Allele origin: germline.
Comment: This sequence change replaces alanine, which is neutral and non-polar, with glutamic acid, which is acidic and polar, at codon 10 of the TRDN protein (p.Ala10Glu). In summary, the available evidence is currently insufficient to determine the role of this variant in disease. Therefore, it has been classified as a Variant of Uncertain Significance. Advanced modeling of protein sequence and biophysical properties (such as structural, functional, and spatial information, amino acid conservation, physicochemical variation, residue mobility, and thermodynamic stability) has been performed at Invitae for this missense variant, however the output from this modeling did not meet the statistical confidence thresholds required to predict the impact of this variant on TRDN protein function. This variant has not been reported in the literature in individuals affected with TRDN-related conditions. This variant is not present in population databases (gnomAD no frequency).